The following is an entry in ClinVar:

NM_181783.4(TMTC3):c.1503A>G (p.Glu501=)

Gene: TMTC3 (transmembrane O-mannosyltransferase targeting cadherins 3; plus strand). Cytogenetic location: 12q21.32.
Variant type: single nucleotide variant.
Coding change: c.1503A>G on transcript NM_181783.4 (MANE Select); coding-DNA position 1503, A replaced by G.
Protein change: p.Glu501=; no amino-acid change (glutamic acid 501 retained).
Molecular consequence: synonymous variant. On other transcripts: non-coding transcript variant (1).
Genome position (GRCh38, 1-based): chr12:88,188,913, A>G. VCF-style: chr12-88188913-A-G. GRCh37 (hg19) VCF-style: chr12-88582690-A-G.
Other names: c.1323A>G, p.Glu441= (NM_001366574.1); c.1284A>G, p.Glu428= (NM_001366579.1); c.1236A>G, p.Glu412= (NM_001366580.1); c.810A>G, p.Glu270= (NM_001366583.1).
Identifiers: ClinVar variation 3035735 (VCV003035735.2), dbSNP rs2502029084, ClinGen allele CA481135504.

ClinVar aggregate classification (germline): Likely benign (0 of 4 stars; one submission).

Conditions:
TMTC3-related disorder. Also called: TMTC3-related condition.

Submission:

PreventionGenetics, part of Exact Sciences
Classification: Likely benign for TMTC3-related condition. Last evaluated: 2019-07-30. Review status: no assertion criteria provided. Collection method: clinical testing. Allele origin: germline.
Comment: This variant is classified as likely benign based on ACMG/AMP sequence variant interpretation guidelines (Richards et al. 2015 PMID: 25741868, with internal and published modifications).